The following is an entry in ClinVar:

ClinVar aggregate classification (germline): Conflicting classifications of pathogenicity. Review status: criteria provided, conflicting classifications (1 of 4 stars). 4 submissions from 4 submitters: Uncertain significance (3); Likely benign (1). Last evaluated 2025-02-06.

Conditions:
Inborn genetic diseases. Identifiers: MedGen C0950123, MeSH D030342.

Allele frequency attached by ClinVar (database versions not stated): ExAC 0.00004; gnomAD exomes 0.00005; TOPMed 0.00008.
gnomAD v4.1: 138 of 1,614,010 alleles (0.0086%); highest among the groups gnomAD compares: Non-Finnish European, 0.011%; no homozygotes.

Submissions (4):

Ambry Genetics
Classification: Uncertain significance for Inborn genetic diseases. Last evaluated: 2025-02-06. Review status: criteria provided, single submitter. Criteria: Ambry Variant Classification Scheme 2023. Collection method: clinical testing. Allele origin: germline.

Blueprint Genetics
Classification: Likely benign. Last evaluated: 2024-11-22. Review status: criteria provided, single submitter. Criteria: ACMG Guidelines, 2015. Collection method: clinical testing. Allele origin: germline.

Labcorp Genetics (formerly Invitae), Labcorp
Classification: Uncertain significance. Last evaluated: 2023-02-16. Review status: criteria provided, single submitter. Criteria: Invitae Variant Classification Sherloc (09022015). Collection method: clinical testing. Allele origin: germline.
Comment: Advanced modeling of protein sequence and biophysical properties (such as structural, functional, and spatial information, amino acid conservation, physicochemical variation, residue mobility, and thermodynamic stability) performed at Invitae indicates that this missense variant is not expected to disrupt DFNA5 protein function. This sequence change replaces glutamine, which is neutral and polar, with histidine, which is basic and polar, at codon 231 of the DFNA5 protein (p.Gln231His). This variant is present in population databases (rs537101702, gnomAD 0.01%). This variant has not been reported in the literature in individuals affected with DFNA5-related conditions. ClinVar contains an entry for this variant (Variation ID: 546187). In summary, the available evidence is currently insufficient to determine the role of this variant in disease. Therefore, it has been classified as a Variant of Uncertain Significance.

GeneDx
Classification: Uncertain significance. Last evaluated: 2021-08-03. Review status: criteria provided, single submitter. Criteria: GeneDx Variant Classification Process June 2021. Collection method: clinical testing. Allele origin: germline. Affected: yes.
Comment: In silico analysis supports that this missense variant does not alter protein structure/function; Has not been previously published as pathogenic or benign to our knowledge

NM_001127453.2(GSDME):c.693G>C (p.Gln231His)

Gene: GSDME (gasdermin E; minus strand). Cytogenetic location: 7p15.3.
Variant type: single nucleotide variant.
Coding change: c.693G>C on transcript NM_001127453.2 (MANE Select); coding-DNA position 693, G replaced by C.
Protein change: p.Gln231His; replaces glutamine 231 with histidine.
Molecular consequence: missense variant.
Genome position (GRCh38, 1-based): chr7:24,717,258, C>G on the plus strand (G>C on the coding strand, the complement: GSDME is on the minus strand). VCF-style: chr7-24717258-C-G. GRCh37 (hg19) VCF-style: chr7-24756877-C-G.
Other names: c.201G>C, p.Gln67His (NM_001127454.2); c.693G>C, p.Gln231His (NM_004403.3); short protein forms Q231H, Q67H.
Identifiers: ClinVar variation 546187 (VCV000546187.9), dbSNP rs537101702, ClinGen allele CA4191647.